The following is an entry in ClinVar:

NM_153676.4(USH1C):c.1187C>G (p.Pro396Arg)

Gene: USH1C (USH1 protein network component harmonin; minus strand). Cytogenetic location: 11p15.1.
Variant type: single nucleotide variant.
Coding change: c.1187C>G on transcript NM_153676.4 (MANE Select); coding-DNA position 1187, C replaced by G.
Protein change: p.Pro396Arg; replaces proline 396 with arginine.
Molecular consequence: missense variant. On other transcripts: non-coding transcript variant (1).
Genome position (GRCh38, 1-based): chr11:17,520,893, G>C on the plus strand (C>G on the coding strand, the complement: USH1C is on the minus strand). VCF-style: chr11-17520893-G-C. GRCh37 (hg19) VCF-style: chr11-17542440-G-C.
Other names: c.1130C>G, p.Pro377Arg (NM_001297764.2); c.1187C>G, p.Pro396Arg (NM_005709.4); short protein forms P396R, P377R.
Identifiers: ClinVar variation 2114021 (VCV002114021.4), dbSNP rs781424965, ClinGen allele CA379784245.
Genomic context (GRCh38, chr11:17,520,893, plus strand): 5'-GTTCCCTTAGCCTCTCCCCTCGGCTCATGAAACTTACACTTTGGCTTGCGAAGGGGTACT[G>C]GGTGTACCTCAGCAGTGATGGTTTTAGGCAAGAGTAGCTGTTCCTTTGAGCCCCAGTCTT-3'
Protein context (NP_710142.1, residues 386-406): LPKTITAEVH[Pro396Arg]VPLRKPKSFG

ClinVar aggregate classification (germline): Uncertain significance (1 of 4 stars; one submission).

Submission:

Labcorp Genetics (formerly Invitae), Labcorp
Classification: Uncertain significance. Last evaluated: 2023-07-17. Review status: criteria provided, single submitter. Criteria: Invitae Variant Classification Sherloc (09022015). Collection method: clinical testing. Allele origin: germline.
Comment: This sequence change replaces proline, which is neutral and non-polar, with arginine, which is basic and polar, at codon 396 of the USH1C protein (p.Pro396Arg). This variant is not present in population databases (gnomAD no frequency). This variant has not been reported in the literature in individuals affected with USH1C-related conditions. ClinVar contains an entry for this variant (Variation ID: 2114021). An algorithm developed to predict the effect of missense changes on protein structure and function (PolyPhen-2) suggests that this variant is likely to be tolerated. In summary, the available evidence is currently insufficient to determine the role of this variant in disease. Therefore, it has been classified as a Variant of Uncertain Significance.